The following is an entry in ClinVar:

NM_001256071.3(RNF213):c.3931G>A (p.Val1311Met)

Gene: RNF213 (ring finger protein 213; plus strand). Cytogenetic location: 17q25.3.
Variant type: single nucleotide variant.
Coding change: c.3931G>A on transcript NM_001256071.3 (MANE Select); coding-DNA position 3931, G replaced by A.
Protein change: p.Val1311Met; replaces valine 1311 with methionine.
Molecular consequence: missense variant.
Genome position (GRCh38, 1-based): chr17:80,332,419, G>A. VCF-style: chr17-80332419-G-A. GRCh37 (hg19) VCF-style: chr17-78306219-G-A.
Other names: c.4078G>A, p.Val1360Met (NM_001410195.1, NM_020914.5); short protein forms V1311M, V1360M.
Identifiers: ClinVar variation 3896077 (VCV003896077.1).
Genomic context (GRCh38, chr17:80,332,419, plus strand): 5'-CAGGATCTAAAGTCAGGAGAGGTCACCCTTGCAGAGATTGATGTCATCTTCAAGGACTTT[G>A]TGAATAAATACACGGACCTGGATTCAGAACTTAAGATCATGTGCACCGTGGACCACCAGG-3'
Protein context (NP_001243000.2, residues 1301-1321): AEIDVIFKDF[Val1311Met]NKYTDLDSEL

ClinVar aggregate classification (germline): Uncertain significance (1 of 4 stars; one submission).

Submission:

Women's Health and Genetics/Laboratory Corporation of America, LabCorp
Classification: Uncertain significance. Last evaluated: 2025-03-19. Review status: criteria provided, single submitter. Criteria: LabCorp Variant Classification Summary - May 2015. Collection method: clinical testing. Allele origin: germline.
Comment: Variant summary: RNF213 c.3931G>A (p.Val1311Met) results in a conservative amino acid change in the encoded protein sequence. Four of four in-silico tools predict a benign effect of the variant on protein function. The variant was absent in 141630 control chromosomes. The available data on variant occurrences in the general population are insufficient to allow any conclusion about variant significance. To our knowledge, no occurrence of c.3931G>A in individuals affected with Moyamoya Disease 2 and no experimental evidence demonstrating its impact on protein function have been reported. No submitters have cited clinical-significance assessments for this variant to ClinVar. Based on the evidence outlined above, the variant was classified as uncertain significance.